The following is an entry in ClinVar:

NM_000051.4(ATM):c.1435G>A (p.Asp479Asn)

Gene: ATM (ATM serine/threonine kinase; plus strand). Cytogenetic location: 11q22.3.
Variant type: single nucleotide variant.
Coding change: c.1435G>A on transcript NM_000051.4 (MANE Select); coding-DNA position 1435, G replaced by A.
Protein change: p.Asp479Asn; replaces aspartic acid 479 with asparagine.
Molecular consequence: missense variant.
Genome position (GRCh38, 1-based): chr11:108,250,900, G>A. VCF-style: chr11-108250900-G-A. GRCh37 (hg19) VCF-style: chr11-108121627-G-A.
Other names: c.1435G>A, p.Asp479Asn (NM_001351834.2); short protein forms D479N.
Identifiers: ClinVar variation 4747174 (VCV004747174.1).

ClinVar aggregate classification (germline): Uncertain significance (1 of 4 stars; one submission).

Conditions:
Ataxia-telangiectasia syndrome (AT). Also called: Ataxia-telangiectasia, complementation group D; AT, COMPLEMENTATION GROUP C; Ataxia-telangiectasia; Ataxia telangiectasia (A-T); LOUIS-BAR SYNDROME; Cerebello-oculocutaneous telangiectasia. Identifiers: Orphanet 100, MedGen C0004135, MONDO:0008840, OMIM 208900.

Submission:

Labcorp Genetics (formerly Invitae), Labcorp
Classification: Uncertain significance for Ataxia-telangiectasia syndrome. Last evaluated: 2025-08-03. Review status: criteria provided, single submitter. Criteria: Invitae Variant Classification Sherloc (09022015). Collection method: clinical testing. Allele origin: germline.
Comment: This sequence change replaces aspartic acid, which is acidic and polar, with asparagine, which is neutral and polar, at codon 479 of the ATM protein (p.Asp479Asn). This variant is not present in population databases (gnomAD no frequency). This variant has not been reported in the literature in individuals affected with ATM-related conditions. Invitae Evidence Modeling of protein sequence and biophysical properties (such as structural, functional, and spatial information, amino acid conservation, physicochemical variation, residue mobility, and thermodynamic stability) indicates that this missense variant is not expected to disrupt ATM protein function with a negative predictive value of 95%. In summary, the available evidence is currently insufficient to determine the role of this variant in disease. Therefore, it has been classified as a Variant of Uncertain Significance.